The following is an entry in ClinVar:

NM_000195.5(HPS1):c.425G>A (p.Arg142His)

Gene: HPS1 (HPS1 biogenesis of lysosomal organelles complex 3 subunit 1; minus strand). Cytogenetic location: 10q24.2.
Variant type: single nucleotide variant.
Coding change: c.425G>A on transcript NM_000195.5 (MANE Select); coding-DNA position 425, G replaced by A.
Protein change: p.Arg142His; replaces arginine 142 with histidine.
Molecular consequence: missense variant. On other transcripts: synonymous variant (3), 5 prime UTR variant (3).
Genome position (GRCh38, 1-based): chr10:98,434,065, C>T on the plus strand (G>A on the coding strand, the complement: HPS1 is on the minus strand). VCF-style: chr10-98434065-C-T. GRCh37 (hg19) VCF-style: chr10-100193822-C-T.
Other names: c.282G>A, p.Ala94= (NM_001322480.2, NM_001322481.2, NM_001322482.2); c.56G>A, p.Arg19His (NM_001322483.2, NM_001322484.2, NM_001322485.2); c.-591G>A (NM_001322487.2); c.-492G>A (NM_001322489.2, NM_001311345.2); c.425G>A, p.Arg142His (NM_001322490.2, NM_001322491.2, NM_001322492.2 and 5 more transcripts); short protein forms R142H, R19H.
Identifiers: ClinVar variation 2168310 (VCV002168310.3), dbSNP rs773201761, ClinGen allele CA5639399.

ClinVar aggregate classification (germline): Uncertain significance. Review status: criteria provided, multiple submitters, no conflicts (2 of 4 stars). 2 submissions from 2 submitters: Uncertain significance (2). Last evaluated 2024-06-14.

Conditions:
Hermansky-Pudlak syndrome 1 (HPS1). Also called: DELTA STORAGE POOL DISEASE. Identifiers: Orphanet 231500, Orphanet 79430, MedGen C2931875, MONDO:0008748, OMIM 203300.

Allele frequency attached by ClinVar (database versions not stated): gnomAD 0.00002; TOPMed 0.00003; ExAC 0.00006.
gnomAD v4.1: 12 of 1,551,214 alleles (0.00077%); highest among the groups gnomAD compares: Middle Eastern, 0.017%; no homozygotes.

Submissions (2):

Fulgent Genetics
Classification: Uncertain significance for Hermansky-Pudlak syndrome 1. Last evaluated: 2024-06-14. Review status: criteria provided, single submitter. Criteria: ACMG Guidelines, 2015. Collection method: clinical testing. Allele origin: germline.

Labcorp Genetics (formerly Invitae), Labcorp
Classification: Uncertain significance. Last evaluated: 2024-01-20. Review status: criteria provided, single submitter. Criteria: Invitae Variant Classification Sherloc (09022015). Collection method: clinical testing. Allele origin: germline.
Comment: This sequence change replaces arginine, which is basic and polar, with histidine, which is basic and polar, at codon 142 of the HPS1 protein (p.Arg142His). The frequency data for this variant in the population databases is considered unreliable, as metrics indicate poor data quality at this position in the gnomAD database. This variant has not been reported in the literature in individuals affected with HPS1-related conditions. ClinVar contains an entry for this variant (Variation ID: 2168310). Advanced modeling of protein sequence and biophysical properties (such as structural, functional, and spatial information, amino acid conservation, physicochemical variation, residue mobility, and thermodynamic stability) performed at Invitae indicates that this missense variant is expected to disrupt HPS1 protein function with a positive predictive value of 80%. In summary, the available evidence is currently insufficient to determine the role of this variant in disease. Therefore, it has been classified as a Variant of Uncertain Significance.